The following is an entry in ClinVar:

ClinVar aggregate classification (germline): Conflicting classifications of pathogenicity. Review status: criteria provided, conflicting classifications (1 of 4 stars). 5 submissions from 5 submitters: Uncertain significance (1); Benign (3); Likely benign (1). Last evaluated 2026-01-31.

Conditions:
Primary ciliary dyskinesia. Also called: Ciliary dyskinesia. Identifiers: Orphanet 244, MedGen C0008780, MONDO:0016575, HP:0012265.
Primary ciliary dyskinesia 3. Identifiers: Orphanet 244, MedGen C1837618, MONDO:0012085, OMIM 608644.

Allele frequency attached by ClinVar (database versions not stated): gnomAD exomes 0.00032 and 0.00072; ExAC 0.00084; 1000 Genomes Project 0.00180; 1000 Genomes Project 30x 0.00187; gnomAD 0.00276 and 0.00299; TOPMed 0.00310; ESP Exome Variant Server 0.00323.
gnomAD v4.1: 918 of 1,612,716 alleles (0.057%); highest among the groups gnomAD compares: African/African-American, 0.98%; 5 homozygotes.

Submissions (5):

Labcorp Genetics (formerly Invitae), Labcorp
Classification: Benign for Primary ciliary dyskinesia. Last evaluated: 2026-01-31. Review status: criteria provided, single submitter. Criteria: Invitae Variant Classification Sherloc (09022015). Collection method: clinical testing. Allele origin: germline.

Blueprint Genetics
Classification: Likely benign. Last evaluated: 2024-11-25. Review status: criteria provided, single submitter. Criteria: ACMG Guidelines, 2015. Collection method: clinical testing. Allele origin: germline.

Illumina Laboratory Services, Illumina
Classification: Uncertain significance for Primary ciliary dyskinesia 3. Last evaluated: 2018-01-12. Review status: criteria provided, single submitter. Criteria: ICSL Variant Classification Criteria 13 December 2019. Collection method: clinical testing. Allele origin: germline.

Laboratory for Molecular Medicine, Mass General Brigham Personalized Medicine
Classification: Benign. Last evaluated: 2013-02-21. Review status: criteria provided, single submitter. Criteria: LMM Criteria. Collection method: clinical testing. Allele origin: germline. Observed: 1 variant allele.
Comment: 4796+11C>A in intron 29 of DNAH5: This variant is not expected to have clinical significance because it is not located within the conserved splice consensus seq uence. It has been identified in 0.9% (40/4406) of African American chromosomes from a broad population by the NHLBI Exome Sequencing Project (dbSNP rs146696580).

PreventionGenetics, part of Exact Sciences
Classification: Benign. Review status: criteria provided, single submitter. Criteria: ACMG Guidelines, 2015. Collection method: clinical testing. Allele origin: germline.

NM_001369.3(DNAH5):c.4796+11C>A

Genes: DNAH5 (dynein axonemal heavy chain 5; minus strand), DNAH5-AS1 (DNAH5 antisense RNA 1; plus strand). Cytogenetic location: 5p15.2.
Variant type: single nucleotide variant.
Coding change: c.4796+11C>A on transcript NM_001369.3 (MANE Select); 11 bases into the intron after coding-DNA position 4796, C replaced by A.
Molecular consequence: intron variant.
Genome position (GRCh38, 1-based): chr5:13,862,537, G>T on the plus strand (C>A on the coding strand, the complement: DNAH5 is on the minus strand). VCF-style: chr5-13862537-G-T. GRCh37 (hg19) VCF-style: chr5-13862646-G-T.
Identifiers: ClinVar variation 226598 (VCV000226598.18), dbSNP rs146696580, ClinGen allele CA3203893.
Genomic context (GRCh38, chr5:13,862,537, plus strand): 5'-TTTTTCATTAATTTTAAATGTTTGCTATTACGGTTCTCAAATCTAAGGGAAAAGATAGAT[G>T]GTTTTCCCACCTGTTGCTCAGTAGGGATCCCAGCAACATCAAGCTGTCCTCCATGTTGGC-3'